The following is an entry in ClinVar:

ClinVar aggregate classification (germline): Pathogenic (1 of 4 stars; one submission).

Conditions:
RYR1-related disorder. Also called: RYR1-related condition; RYR1-related disorders. Identifiers: MedGen CN239331.

Submission:

Labcorp Genetics (formerly Invitae), Labcorp
Classification: Pathogenic for RYR1-related disorder. Last evaluated: 2023-08-09. Review status: criteria provided, single submitter. Criteria: Invitae Variant Classification Sherloc (09022015). Collection method: clinical testing. Allele origin: germline.
Comment: This sequence change creates a premature translational stop signal (p.Arg2591Serfs*11) in the RYR1 gene. It is expected to result in an absent or disrupted protein product. Loss-of-function variants in RYR1 are known to be pathogenic (PMID: 23919265, 25960145, 28818389, 30611313). This variant is not present in population databases (gnomAD no frequency). This variant has not been reported in the literature in individuals affected with RYR1-related conditions. For these reasons, this variant has been classified as Pathogenic.

Literature cited by the submitters: PubMed 23919265; PubMed 25960145; PubMed 28818389; PubMed 30611313.

NM_000540.3(RYR1):c.7770dup (p.Arg2591fs)

Gene: RYR1 (ryanodine receptor 1; plus strand). Cytogenetic location: 19q13.2.
Variant type: Duplication.
Coding change: c.7770dup on transcript NM_000540.3 (MANE Select); coding-DNA position 7770, one base duplicated (T; older notation c.7770dupT).
Protein change: p.Arg2591fs; shifts the reading frame from arginine 2591.
Molecular consequence: frameshift variant.
Genome position (GRCh38, 1-based): chr19:38,502,662, T duplicated. VCF-style (leftmost placement, unchanged base first): chr19-38502661-C-CT. GRCh37 (hg19) VCF-style: chr19-38993301-C-CT.
Other names: c.7770dup, p.Arg2591fs (NM_001042723.2); short protein forms R2591fs.
Identifiers: ClinVar variation 2747050 (VCV002747050.3), dbSNP rs2514334578, ClinGen allele CA2697556553.